The following is an entry in ClinVar:

NM_000059.4(BRCA2):c.458C>T (p.Pro153Leu)

Gene: BRCA2 (BRCA2 DNA repair associated; plus strand). Cytogenetic location: 13q13.1.
Variant type: single nucleotide variant.
Coding change: c.458C>T on transcript NM_000059.4 (MANE Select); coding-DNA position 458, C replaced by T.
Protein change: p.Pro153Leu; replaces proline 153 with leucine.
Molecular consequence: missense variant.
Genome position (GRCh38, 1-based): chr13:32,326,133, C>T. VCF-style: chr13-32326133-C-T. GRCh37 (hg19) VCF-style: chr13-32900270-C-T.
Other names: short protein forms P153L.
Identifiers: ClinVar variation 431188 (VCV000431188.13), dbSNP rs1135401830, ClinGen allele CA387757145.

ClinVar aggregate classification (germline): Uncertain significance. Review status: criteria provided, multiple submitters, no conflicts (2 of 4 stars). 3 submissions from 3 submitters: Uncertain significance (2). 1 of the submissions does not count toward it. Last evaluated 2025-03-12.

Conditions:
Hereditary cancer-predisposing syndrome. Also called: Hereditary Cancer Syndrome; Hereditary neoplastic syndrome; Neoplastic Syndromes, Hereditary; Tumor predisposition. Identifiers: Orphanet 140162, MedGen C0027672, MeSH D009386, MONDO:0015356.
Hereditary breast ovarian cancer syndrome. Also called: Hereditary breast and ovarian cancer syndrome (HBOC); Breast and ovarian cancer; BRCA1- and BRCA2-Associated Hereditary Breast and Ovarian Cancer; Hereditary breast and/or ovarian cancer syndrome; Hereditary breast and ovarian cancer; Hereditary breast and ovarian cancer syndrome. Identifiers: Orphanet 145, MedGen C0677776, MeSH D061325, MONDO:0003582. Disease mechanism: loss of function.

Submissions (3):

Labcorp Genetics (formerly Invitae), Labcorp
Classification: Uncertain significance for Hereditary breast ovarian cancer syndrome. Last evaluated: 2025-03-12. Review status: criteria provided, single submitter. Criteria: Invitae Variant Classification Sherloc (09022015). Collection method: clinical testing. Allele origin: germline.
Comment: This sequence change replaces proline, which is neutral and non-polar, with leucine, which is neutral and non-polar, at codon 153 of the BRCA2 protein (p.Pro153Leu). This variant is not present in population databases (gnomAD no frequency). This variant has not been reported in the literature in individuals affected with BRCA2-related conditions. ClinVar contains an entry for this variant (Variation ID: 431188). Invitae Evidence Modeling of protein sequence and biophysical properties (such as structural, functional, and spatial information, amino acid conservation, physicochemical variation, residue mobility, and thermodynamic stability) indicates that this missense variant is not expected to disrupt BRCA2 protein function with a negative predictive value of 95%. In summary, the available evidence is currently insufficient to determine the role of this variant in disease. Therefore, it has been classified as a Variant of Uncertain Significance.

Ambry Genetics
Classification: Uncertain significance for Hereditary cancer-predisposing syndrome. Last evaluated: 2019-09-23. Review status: criteria provided, single submitter. Criteria: Ambry Variant Classification Scheme 2023. Collection method: clinical testing. Allele origin: germline.
Comment: The p.P153L variant (also known as c.458C>T), located in coding exon 4 of the BRCA2 gene, results from a C to T substitution at nucleotide position 458. The proline at codon 153 is replaced by leucine, an amino acid with similar properties. This amino acid position is highly conserved in available vertebrate species. In addition, this alteration is predicted to be tolerated by in silico analysis. Since supporting evidence is limited at this time, the clinical significance of this alteration remains unclear.

Cancer Genetics and Genomics Laboratory, British Columbia Cancer Agency
Classification: Uncertain significance for Hereditary breast ovarian cancer syndrome. Last evaluated: 2016-04-14. Review status: no assertion criteria provided. Collection method: clinical testing. Allele origin: germline. Study: The Canadian Open Genetics Repository (COGR). Not counted in ClinVar's aggregate classification.